The following is an entry in ClinVar:

ClinVar aggregate classification (germline): Likely benign. Review status: criteria provided, multiple submitters, no conflicts (2 of 4 stars). 3 submissions from 3 submitters: Likely benign (3). Last evaluated 2026-03-01.

Conditions:
Epileptic encephalopathy. Identifiers: MedGen C0543888, HP:0200134.

Allele frequency attached by ClinVar (database versions not stated): gnomAD 0.00003 and 0.00005; gnomAD exomes 0.00003 and 0.00004; TOPMed 0.00004; ExAC 0.00005; ESP Exome Variant Server 0.00008.
gnomAD v4.1: 60 of 1,611,626 alleles (0.0037%); highest among the groups gnomAD compares: Middle Eastern, 0.05%; no homozygotes.

Submissions (3):

CeGaT Center for Human Genetics Tuebingen
Classification: Likely benign. Last evaluated: 2026-03-01. Review status: criteria provided, single submitter. Criteria: CeGaT Center For Human Genetics Tuebingen Variant Classification Criteria Version 2. Collection method: clinical testing. Allele origin: germline. Affected: yes. Observed: 1 variant allele.
Comment: GABBR2: BP4, BP7

Labcorp Genetics (formerly Invitae), Labcorp
Classification: Likely benign for Epileptic encephalopathy. Last evaluated: 2025-12-22. Review status: criteria provided, single submitter. Criteria: Invitae Variant Classification Sherloc (09022015). Collection method: clinical testing. Allele origin: germline.

Blueprint Genetics
Classification: Likely benign. Last evaluated: 2024-11-13. Review status: criteria provided, single submitter. Criteria: ACMG Guidelines, 2015. Collection method: clinical testing. Allele origin: germline.

NM_005458.8(GABBR2):c.1227C>T (p.Phe409=)

Gene: GABBR2 (gamma-aminobutyric acid type B receptor subunit 2; minus strand). Cytogenetic location: 9q22.33.
Variant type: single nucleotide variant.
Coding change: c.1227C>T on transcript NM_005458.8 (MANE Select); coding-DNA position 1227, C replaced by T.
Protein change: p.Phe409=; no amino-acid change (phenylalanine 409 retained).
Molecular consequence: synonymous variant.
Genome position (GRCh38, 1-based): chr9:98,453,990, G>A on the plus strand (C>T on the coding strand, the complement: GABBR2 is on the minus strand). VCF-style: chr9-98453990-G-A. GRCh37 (hg19) VCF-style: chr9-101216272-G-A.
Identifiers: ClinVar variation 1596404 (VCV001596404.13), dbSNP rs148029910, ClinGen allele CA5152791.